The following is an entry in ClinVar:

ClinVar aggregate classification (germline): Uncertain significance (1 of 4 stars; one submission).

Conditions:
Hereditary cancer-predisposing syndrome. Also called: Hereditary neoplastic syndrome; Neoplastic Syndromes, Hereditary; Tumor predisposition; Hereditary Cancer Syndrome. Identifiers: Orphanet 140162, MedGen C0027672, MeSH D009386, MONDO:0015356.

Submission:

Ambry Genetics
Classification: Uncertain significance for Hereditary cancer-predisposing syndrome. Last evaluated: 2025-01-08. Review status: criteria provided, single submitter. Criteria: Ambry Variant Classification Scheme 2023. Collection method: clinical testing. Allele origin: germline.
Comment: The p.A33S variant (also known as c.97G>T), located in coding exon 2 of the XRCC2 gene, results from a G to T substitution at nucleotide position 97. The alanine at codon 33 is replaced by serine, an amino acid with similar properties. This amino acid position is conserved. In addition, this alteration is predicted to be tolerated by in silico analysis. Based on the available evidence, the clinical significance of this variant remains unclear.

NM_005431.2(XRCC2):c.97G>T (p.Ala33Ser)

Gene: XRCC2 (X-ray repair cross complementing 2; minus strand). Cytogenetic location: 7q36.1.
Variant type: single nucleotide variant.
Coding change: c.97G>T on transcript NM_005431.2 (MANE Select); coding-DNA position 97, G replaced by T.
Protein change: p.Ala33Ser; replaces alanine 33 with serine.
Molecular consequence: missense variant.
Genome position (GRCh38, 1-based): chr7:152,660,725, C>A on the plus strand (G>T on the coding strand, the complement: XRCC2 is on the minus strand). VCF-style: chr7-152660725-C-A. GRCh37 (hg19) VCF-style: chr7-152357810-C-A.
Other names: short protein forms A33S.
Identifiers: ClinVar variation 3817838 (VCV003817838.1).